The following is an entry in ClinVar:

NM_022773.4(LMF1):c.1462C>A (p.Leu488Met)

Gene: LMF1 (lipase maturation factor 1; minus strand). Cytogenetic location: 16p13.3.
Variant type: single nucleotide variant.
Coding change: c.1462C>A on transcript NM_022773.4 (MANE Select); coding-DNA position 1462, C replaced by A.
Protein change: p.Leu488Met; replaces leucine 488 with methionine.
Molecular consequence: missense variant. On other transcripts: non-coding transcript variant (1).
Genome position (GRCh38, 1-based): chr16:869,011, G>T on the plus strand (C>A on the coding strand, the complement: LMF1 is on the minus strand). VCF-style: chr16-869011-G-T. GRCh37 (hg19) VCF-style: chr16-919011-G-T.
Other names: c.811C>A, p.Leu271Met (NM_001352017.2, NM_001352021.2); c.1063C>A, p.Leu355Met (NM_001352018.2); c.1135C>A, p.Leu379Met (NM_001352019.2); c.1382C>A, p.Pro461His (NM_001352020.1); short protein forms L379M, L488M, P461H, L355M, L271M.
Identifiers: ClinVar variation 4614523 (VCV004614523.1).

ClinVar aggregate classification (germline): Uncertain significance (1 of 4 stars; one submission).

Conditions:
Cardiovascular phenotype. Identifiers: MedGen CN230736.

gnomAD v4.1: 1 of 1,612,704 alleles (0.000062%); highest among the groups gnomAD compares: East Asian, 0.0022%; no homozygotes.

Submission:

Ambry Genetics
Classification: Uncertain significance for Cardiovascular phenotype. Last evaluated: 2025-10-11. Review status: criteria provided, single submitter. Criteria: Ambry Variant Classification Scheme 2023. Collection method: clinical testing. Allele origin: germline.
Comment: The p.L488M variant (also known as c.1462C>A), located in coding exon 10 of the LMF1 gene, results from a C to A substitution at nucleotide position 1462. The leucine at codon 488 is replaced by methionine, an amino acid with highly similar properties. This amino acid position is conserved. In addition, this alteration is predicted to be tolerated by in silico analysis. Based on the available evidence, the clinical significance of this variant remains unclear.